The following is an entry in ClinVar:

NM_018060.4(IARS2):c.2449C>T (p.Arg817Cys)

Gene: IARS2 (isoleucyl-tRNA synthetase 2, mitochondrial; plus strand). Cytogenetic location: 1q41.
Variant type: single nucleotide variant.
Coding change: c.2449C>T on transcript NM_018060.4 (MANE Select); coding-DNA position 2449, C replaced by T.
Protein change: p.Arg817Cys; replaces arginine 817 with cysteine.
Molecular consequence: missense variant.
Genome position (GRCh38, 1-based): chr1:220,141,837, C>T. VCF-style: chr1-220141837-C-T. GRCh37 (hg19) VCF-style: chr1-220315179-C-T.
Other names: short protein forms R817C.
Identifiers: ClinVar variation 4083427 (VCV004083427.2).
Genomic context (GRCh38, chr1:220,141,837, plus strand): 5'-CTGCTGAATAAGTTGTTCTTGTTCAGGCTCTATTGTGAAAAGGAAAATGACCCCAAACGA[C>T]GCTCTTGTCAGACTGCATTAGTTGAAATTTTGGATGTAATAGTTCGTTCTTTTGCTCCCA-3'
Protein context (NP_060530.3, residues 807-827): YCEKENDPKR[Arg817Cys]SCQTALVEIL

ClinVar aggregate classification (germline): Uncertain significance. Review status: criteria provided, multiple submitters, no conflicts (2 of 4 stars). 2 submissions from 2 submitters: Uncertain significance (2). Last evaluated 2025-11-13.

Conditions:
Inborn genetic diseases. Identifiers: MedGen C0950123, MeSH D030342.

gnomAD v4.1: 7 of 1,614,098 alleles (0.00043%); highest among the groups gnomAD compares: South Asian, 0.0022%; no homozygotes.

Submissions (2):

Ambry Genetics
Classification: Uncertain significance for Inborn genetic diseases. Last evaluated: 2025-11-13. Review status: criteria provided, single submitter. Criteria: Ambry Variant Classification Scheme 2023. Collection method: clinical testing. Allele origin: germline.

GeneDx
Classification: Uncertain significance. Last evaluated: 2025-03-12. Review status: criteria provided, single submitter. Criteria: GeneDx Variant Classification Process June 2021. Collection method: clinical testing. Allele origin: germline. Affected: yes.
Comment: Not observed at significant frequency in large population cohorts (gnomAD); In silico analysis supports that this missense variant has a deleterious effect on protein structure/function; Has not been previously published as pathogenic or benign to our knowledge